The following is an entry in ClinVar:

ClinVar aggregate classification (germline): Uncertain significance (1 of 4 stars; one submission).

Allele frequency attached by ClinVar (database versions not stated): gnomAD exomes below 0.00001; TOPMed below 0.00001.

Submission:

Labcorp Genetics (formerly Invitae), Labcorp
Classification: Uncertain significance. Last evaluated: 2022-12-27. Review status: criteria provided, single submitter. Criteria: Invitae Variant Classification Sherloc (09022015). Collection method: clinical testing. Allele origin: germline.
Comment: In summary, the available evidence is currently insufficient to determine the role of this variant in disease. Therefore, it has been classified as a Variant of Uncertain Significance. Variants that disrupt the consensus splice site are a relatively common cause of aberrant splicing (PMID: 17576681, 9536098). Algorithms developed to predict the effect of sequence changes on RNA splicing suggest that this variant is not likely to affect RNA splicing. This variant has not been reported in the literature in individuals affected with COL7A1-related conditions. This variant is not present in population databases (gnomAD no frequency). This sequence change falls in intron 43 of the COL7A1 gene. It does not directly change the encoded amino acid sequence of the COL7A1 protein. It affects a nucleotide within the consensus splice site.

Literature cited by the submitters: PubMed 17576681; PubMed 9536098.

NM_000094.4(COL7A1):c.4518+6C>T

Gene: COL7A1 (collagen type VII alpha 1 chain; minus strand). Cytogenetic location: 3p21.31.
Variant type: single nucleotide variant.
Coding change: c.4518+6C>T on transcript NM_000094.4 (MANE Select); 6 bases into the intron after coding-DNA position 4518, C replaced by T.
Molecular consequence: intron variant.
Genome position (GRCh38, 1-based): chr3:48,583,007, G>A on the plus strand (C>T on the coding strand, the complement: COL7A1 is on the minus strand). VCF-style: chr3-48583007-G-A. GRCh37 (hg19) VCF-style: chr3-48620440-G-A.
Identifiers: ClinVar variation 2824596 (VCV002824596.3), dbSNP rs2044886422, ClinGen allele CA1363080141.